The following is an entry in ClinVar:

NM_001365999.1(SZT2):c.1457G>C (p.Arg486Pro)

Gene: SZT2 (SZT2 subunit of KICSTOR complex; plus strand). Cytogenetic location: 1p34.2.
Variant type: single nucleotide variant.
Coding change: c.1457G>C on transcript NM_001365999.1 (MANE Select); coding-DNA position 1457, G replaced by C.
Protein change: p.Arg486Pro; replaces arginine 486 with proline.
Molecular consequence: missense variant.
Genome position (GRCh38, 1-based): chr1:43,420,944, G>C. VCF-style: chr1-43420944-G-C. GRCh37 (hg19) VCF-style: chr1-43886615-G-C.
Other names: c.1457G>C, p.Arg486Pro (NM_015284.4); short protein forms R486P.
Identifiers: ClinVar variation 2044363 (VCV002044363.4), dbSNP rs1409442730, ClinGen allele CA340007760.

ClinVar aggregate classification (germline): Uncertain significance (1 of 4 stars; one submission).

Allele frequency attached by ClinVar (database versions not stated): gnomAD 0.00001.
gnomAD v4.1: 1 of 1,598,280 alleles (0.000063%); highest among the groups gnomAD compares: African/African-American, 0.0013%; no homozygotes.

Submission:

Labcorp Genetics (formerly Invitae), Labcorp
Classification: Uncertain significance. Last evaluated: 2022-11-01. Review status: criteria provided, single submitter. Criteria: Invitae Variant Classification Sherloc (09022015). Collection method: clinical testing. Allele origin: germline.
Comment: In summary, the available evidence is currently insufficient to determine the role of this variant in disease. Therefore, it has been classified as a Variant of Uncertain Significance. This variant has not been reported in the literature in individuals affected with SZT2-related conditions. This variant is not present in population databases (gnomAD no frequency). This sequence change replaces arginine, which is basic and polar, with proline, which is neutral and non-polar, at codon 486 of the SZT2 protein (p.Arg486Pro). Advanced modeling of protein sequence and biophysical properties (such as structural, functional, and spatial information, amino acid conservation, physicochemical variation, residue mobility, and thermodynamic stability) performed at Invitae indicates that this missense variant is expected to disrupt SZT2 protein function.